The following is an entry in ClinVar:

ClinVar aggregate classification (germline): Likely pathogenic (1 of 4 stars; one submission).

Conditions:
Familial dysautonomia. Also called: HSAN III; FD. Identifiers: Orphanet 1764, MedGen C0013364, MONDO:0009131, OMIM 223900. Disease mechanism: loss of function.

Submission:

Natera, Inc.
Classification: Likely pathogenic for Familial dysautonomia. Last evaluated: 2024-12-07. Review status: criteria provided, single submitter. Criteria: Natera Variant Classification Schema (03/2026). Collection method: clinical testing. Allele origin: germline.
Comment: The c.2751T>G variant in ELP1 is a nonsense variant predicted to introduce a stop codon at amino acid 917. This variant is expected to result in nonsense mediated decay, truncation, or a dysfunctional protein product. This variant is rare in the general population with a frequency below the threshold expected for the associated phenotype(s). Given the available evidence, this variant is classified as Likely Pathogenic.

NM_003640.5(ELP1):c.2751T>G (p.Tyr917Ter)

Gene: ELP1 (elongator acetyltransferase complex subunit 1; minus strand). Cytogenetic location: 9q31.3.
Variant type: single nucleotide variant.
Coding change: c.2751T>G on transcript NM_003640.5 (MANE Select); coding-DNA position 2751, T replaced by G.
Protein change: p.Tyr917Ter; replaces tyrosine 917 with a stop codon.
Molecular consequence: nonsense.
Genome position (GRCh38, 1-based): chr9:108,894,052, A>C on the plus strand (T>G on the coding strand, the complement: ELP1 is on the minus strand). VCF-style: chr9-108894052-A-C. GRCh37 (hg19) VCF-style: chr9-111656332-A-C.
Other names: c.2409T>G, p.Tyr803Ter (NM_001318360.2); c.1704T>G, p.Tyr568Ter (NM_001330749.2); short protein forms Y568*, Y803*, Y917*.
Identifiers: ClinVar variation 4815206 (VCV004815206.1).